The following is an entry in ClinVar:

ClinVar aggregate classification (germline): Likely pathogenic. Review status: criteria provided, multiple submitters, no conflicts (2 of 4 stars). 3 submissions from 3 submitters: Likely pathogenic (3). Last evaluated 2024-12-27.

Conditions:
PMS2-related disorder. Also called: PMS2-related condition.
Hereditary cancer-predisposing syndrome. Also called: Tumor predisposition; Hereditary Cancer Syndrome; Hereditary neoplastic syndrome; Neoplastic Syndromes, Hereditary. Identifiers: Orphanet 140162, MedGen C0027672, MeSH D009386, MONDO:0015356.

Submissions (3):

Ambry Genetics
Classification: Likely pathogenic for Hereditary cancer-predisposing syndrome. Last evaluated: 2024-12-27. Review status: criteria provided, single submitter. Criteria: Ambry Variant Classification Scheme 2023. Collection method: clinical testing. Allele origin: germline.
Comment: The c.537+1G>C intronic variant results from a G to C substitution one nucleotide after coding exon 5 of the PMS2 gene. This variant is considered to be rare based on population cohorts in the Genome Aggregation Database (gnomAD). This nucleotide position is highly conserved in available vertebrate species. In silico splice site analysis predicts that this alteration will weaken the native splice donor site. Alterations that disrupt the canonical splice site are expected to cause aberrant splicing, resulting in an abnormal protein or a transcript that is subject to nonsense-mediated mRNA decay. As such, this alteration is classified as likely pathogenic.

Blueprint Genetics
Classification: Likely pathogenic for PMS2-related disorders. Last evaluated: 2021-10-12. Review status: criteria provided, single submitter. Criteria: ACMG Guidelines, 2015. Collection method: clinical testing. Allele origin: germline. Affected: yes. Observed: 1 variant allele.

GeneDx
Classification: Likely pathogenic. Last evaluated: 2016-05-24. Review status: criteria provided, single submitter. Criteria: GeneDx Variant Classification (06012015). Collection method: clinical testing. Allele origin: germline. Affected: yes.
Comment: This variant is denoted PMS2 c.537+1G>C or IVS5+1G>C and consists of a G>C nucleotide substitution at the +1 position of intron 5 of the PMS2 gene. This variant destroys a canonical splice donor site and is predicted to cause abnormal gene splicing, leading to either an abnormal message that is subject to nonsense-mediated mRNA decay or to an abnormal protein product. This variant has not, to our knowledge, been published in the literature. Based on the currently available information, we consider PMS2 c.537+1G>C to be a likely pathogenic variant.

NM_000535.7(PMS2):c.537+1G>C

Gene: PMS2 (PMS1 homolog 2, mismatch repair system component; minus strand). Cytogenetic location: 7p22.1.
Variant type: single nucleotide variant.
Coding change: c.537+1G>C on transcript NM_000535.7 (MANE Select); the canonical splice donor site of the intron after coding-DNA position 537, G replaced by C.
Molecular consequence: splice donor variant. On other transcripts: intron variant (1).
Genome position (GRCh38, 1-based): chr7:6,002,452, C>G on the plus strand (G>C on the coding strand, the complement: PMS2 is on the minus strand). VCF-style: chr7-6002452-C-G. GRCh37 (hg19) VCF-style: chr7-6042083-C-G.
Other names: c.219+1G>C (NM_001322008.2, NM_001406902.1, NM_001406883.1 and 4 more transcripts); c.228+1G>C (NM_001406881.1, NM_001406879.1, NM_001322015.2 and 6 more transcripts); c.132+1G>C (NM_001406895.1, NM_001406911.1, NM_001322010.2 and 24 more transcripts); c.-348+1G>C (NM_001322012.2, NM_001322011.2); c.250+1520G>C (NM_001406885.1); c.537+1G>C (NM_001406886.1, NM_001406884.1, NM_001406874.1 and 8 more transcripts); c.561+1G>C (NM_001406868.1); c.723+1G>C (NM_001406866.1).
Identifiers: ClinVar variation 265580 (VCV000265580.4), dbSNP rs863224450, ClinGen allele CA10588432.